The following is an entry in ClinVar:

ClinVar aggregate classification (germline): Uncertain significance (1 of 4 stars; one submission).

Conditions:
Cardiovascular phenotype. Identifiers: MedGen CN230736.

Submission:

Ambry Genetics
Classification: Uncertain significance for Cardiovascular phenotype. Last evaluated: 2025-05-10. Review status: criteria provided, single submitter. Criteria: Ambry Variant Classification Scheme 2023. Collection method: clinical testing. Allele origin: germline.
Comment: The p.V410M variant (also known as c.1228G>A), located in coding exon 2 of the KCNJ8 gene, results from a G to A substitution at nucleotide position 1228. The valine at codon 410 is replaced by methionine, an amino acid with highly similar properties. This amino acid position is conserved. In addition, the in silico prediction for this alteration is inconclusive. Based on the available evidence, the clinical significance of this variant remains unclear.

NM_004982.4(KCNJ8):c.1228G>A (p.Val410Met)

Genes: KCNJ8 (potassium inwardly rectifying channel subfamily J member 8; minus strand), KCNJ8-AS1 (KCNJ8 antisense RNA 1; plus strand). Cytogenetic location: 12p12.1.
Variant type: single nucleotide variant.
Coding change: c.1228G>A on transcript NM_004982.4 (MANE Select); coding-DNA position 1228, G replaced by A.
Protein change: p.Val410Met; replaces valine 410 with methionine.
Molecular consequence: missense variant.
Genome position (GRCh38, 1-based): chr12:21,765,770, C>T on the plus strand (G>A on the coding strand, the complement: KCNJ8 is on the minus strand). VCF-style: chr12-21765770-C-T. GRCh37 (hg19) VCF-style: chr12-21918704-C-T.
Other names: short protein forms V410M.
Identifiers: ClinVar variation 4041682 (VCV004041682.1).
Genomic context (GRCh38, chr12:21,765,770, plus strand): 5'-GGTTATCTTGCTGTCATGATTCCGATGTGTTTTGATTTCCTTCTGGAGTCATAAATTGCA[C>T]CTTTGGTACCATGAGGGAAGAATTGTTCCTTCGGATAGAATTGTTCCTCCTCATGGAATT-3'
Protein context (NP_004973.1, residues 400-420): RNNSSLMVPK[Val410Met]QFMTPEGNQN